The following is an entry in ClinVar:

NM_000179.3(MSH6):c.-20G>C

Gene: MSH6 (mutS homolog 6; plus strand). Cytogenetic location: 2p16.3.
Variant type: single nucleotide variant.
Coding change: c.-20G>C on transcript NM_000179.3 (MANE Select); 20 bases upstream of the start codon, G replaced by C.
Molecular consequence: 5 prime UTR variant.
Genome position (GRCh38, 1-based): chr2:47,783,214, G>C. VCF-style: chr2-47783214-G-C. GRCh37 (hg19) VCF-style: chr2-48010353-G-C.
Other names: c.-20G>C (NM_001281492.2); c.-756G>C (NM_001281493.2).
Identifiers: ClinVar variation 924812 (VCV000924812.3), dbSNP rs1406816622, ClinGen allele CA1139655567.

ClinVar aggregate classification (germline): Uncertain significance (1 of 4 stars; one submission).

Conditions:
Hereditary cancer-predisposing syndrome. Also called: Neoplastic Syndromes, Hereditary; Tumor predisposition; Hereditary Cancer Syndrome; Hereditary neoplastic syndrome. Identifiers: Orphanet 140162, MedGen C0027672, MeSH D009386, MONDO:0015356.

Submission:

Color Diagnostics, LLC DBA Color Health
Classification: Uncertain significance for Hereditary cancer-predisposing syndrome. Last evaluated: 2019-07-10. Review status: criteria provided, single submitter. Criteria: ACMG Guidelines, 2015. Collection method: clinical testing. Allele origin: germline.
Comment: This variant is located in the 5' untranslated region of the MSH6 protein. To our knowledge, functional assays have not been performed for this variant nor has this variant been reported in individuals affected with hereditary cancer in the literature. This variant has not been identified in the general population by the Genome Aggregation Database (gnomAD). Available evidence is insufficient to determine the role of this variant in disease conclusively. Therefore, this variant is classified as a Variant of Uncertain Significance.